The following is an entry in ClinVar:

ClinVar aggregate classification (germline): Uncertain significance (1 of 4 stars; one submission).

Submission:

CeGaT Center for Human Genetics Tuebingen
Classification: Uncertain significance. Last evaluated: 2022-10-01. Review status: criteria provided, single submitter. Criteria: CeGaT Center For Human Genetics Tuebingen Variant Classification Criteria Version 2. Collection method: clinical testing. Allele origin: germline. Affected: yes. Observed: 1 variant allele.
Comment: NTRK1: PM2, BP4

NM_002529.4(NTRK1):c.1593C>A (p.Asn531Lys)

Gene: NTRK1 (neurotrophic receptor tyrosine kinase 1; plus strand). Cytogenetic location: 1q23.1.
Variant type: single nucleotide variant.
Coding change: c.1593C>A on transcript NM_002529.4 (MANE Select); coding-DNA position 1593, C replaced by A.
Protein change: p.Asn531Lys; replaces asparagine 531 with lysine.
Molecular consequence: missense variant.
Genome position (GRCh38, 1-based): chr1:156,876,171, C>A. VCF-style: chr1-156876171-C-A. GRCh37 (hg19) VCF-style: chr1-156845963-C-A.
Other names: c.1593C>A, p.Asn531Lys (NM_001007204.1); c.1485C>A, p.Asn495Lys (NM_001007792.1); c.1575C>A, p.Asn525Lys (NM_001012331.2); short protein forms N495K, N525K, N531K.
Identifiers: ClinVar variation 1879101 (VCV001879101.29), dbSNP rs1647891051, ClinGen allele CA342938118.